The following is an entry in ClinVar:

ClinVar aggregate classification (germline): Uncertain significance (1 of 4 stars; one submission).

Conditions:
Polycystic kidney disease, adult type (PKD1). Also called: POLYCYSTIC KIDNEY DISEASE, ADULT, TYPE I; Polycystic Kidney Disease 1, Autosomal Dominant; Polycystic kidney disease 1; Polycystic kidney disease 1, severe; Polycystic Kidney, Autosomal Dominant; POLYCYSTIC KIDNEY DISEASE 1 WITH OR WITHOUT POLYCYSTIC LIVER DISEASE. Identifiers: MedGen C3149841, MONDO:0008263, OMIM 173900.

Submission:

Juno Genomics, Hangzhou Juno Genomics, Inc
Classification: Uncertain significance for Polycystic kidney disease, adult type. Review status: criteria provided, single submitter. Criteria: ACMG Guidelines, 2015. Collection method: clinical testing. Allele origin: germline. Affected: yes.
Comment: Absent from controls (or at extremely low frequency if recessive) in Genome Aggregation Database, Exome Sequencing Project, 1000 Genomes Project, or Exome Aggregation Consortium.;Patient's phenotype or family history is highly specific for a disease with a single genetic etiology.

NM_001009944.3(PKD1):c.11609G>C (p.Arg3870Pro)

Genes: PKD1 (polycystin 1, transient receptor potential channel interacting; minus strand), PKD1-AS1 (PKD1 antisense RNA 1; plus strand). Cytogenetic location: 16p13.3.
Variant type: single nucleotide variant.
Coding change: c.11609G>C on transcript NM_001009944.3 (MANE Select); coding-DNA position 11609, G replaced by C.
Protein change: p.Arg3870Pro; replaces arginine 3870 with proline.
Molecular consequence: missense variant. On other transcripts: non-coding transcript variant (1).
Genome position (GRCh38, 1-based): chr16:2,091,526, C>G on the plus strand (G>C on the coding strand, the complement: PKD1 is on the minus strand). VCF-style: chr16-2091526-C-G. GRCh37 (hg19) VCF-style: chr16-2141527-C-G.
Other names: c.11606G>C, p.Arg3869Pro (NM_000296.4); short protein forms R3869P, R3870P.
Identifiers: ClinVar variation 3382185 (VCV003382185.2).